The following is an entry in ClinVar:

NM_004656.4(BAP1):c.66C>T (p.Phe22=)

Gene: BAP1 (BRCA1 associated deubiquitinase 1; minus strand). Cytogenetic location: 3p21.1.
Variant type: single nucleotide variant.
Coding change: c.66C>T on transcript NM_004656.4 (MANE Select); coding-DNA position 66, C replaced by T.
Protein change: p.Phe22=; no amino-acid change (phenylalanine 22 retained).
Molecular consequence: synonymous variant.
Genome position (GRCh38, 1-based): chr3:52,409,715, G>A on the plus strand (C>T on the coding strand, the complement: BAP1 is on the minus strand). VCF-style: chr3-52409715-G-A. GRCh37 (hg19) VCF-style: chr3-52443731-G-A.
Identifiers: ClinVar variation 582429 (VCV000582429.7), dbSNP rs1559593101, ClinGen allele CA433778616.

ClinVar aggregate classification (germline): Conflicting classifications of pathogenicity. Review status: criteria provided, conflicting classifications (1 of 4 stars). 2 submissions from 2 submitters: Uncertain significance (1); Likely benign (1). Last evaluated 2022-03-28.

Conditions:
BAP1-related tumor predisposition syndrome (TPDS1). Also called: COMMON Syndrome; TUMOR PREDISPOSITION SYNDROME 1; BAP1 tumor predisposition syndrome; Tumor susceptibility linked to germline BAP1 mutations. Identifiers: Orphanet 289539, MedGen C3280492, MONDO:0013692, OMIM 614327.
Hereditary cancer-predisposing syndrome. Also called: Neoplastic Syndromes, Hereditary; Hereditary Cancer Syndrome; Tumor predisposition; Hereditary neoplastic syndrome. Identifiers: Orphanet 140162, MedGen C0027672, MeSH D009386, MONDO:0015356.

Allele frequency attached by ClinVar (database versions not stated): gnomAD exomes below 0.00001.

Submissions (2):

Labcorp Genetics (formerly Invitae), Labcorp
Classification: Uncertain significance for BAP1-related tumor predisposition syndrome. Last evaluated: 2022-03-28. Review status: criteria provided, single submitter. Criteria: Invitae Variant Classification Sherloc (09022015). Collection method: clinical testing. Allele origin: germline.
Comment: This sequence change affects codon 22 of the BAP1 mRNA. It is a 'silent' change, meaning that it does not change the encoded amino acid sequence of the BAP1 protein. It affects a nucleotide within the consensus splice site. This variant is not present in population databases (gnomAD no frequency). This variant has not been reported in the literature in individuals affected with BAP1-related conditions. ClinVar contains an entry for this variant (Variation ID: 582429). Algorithms developed to predict the effect of sequence changes on RNA splicing suggest that this variant is not likely to affect RNA splicing. In summary, the available evidence is currently insufficient to determine the role of this variant in disease. Therefore, it has been classified as a Variant of Uncertain Significance.

Color Diagnostics, LLC DBA Color Health
Classification: Likely benign for Hereditary cancer-predisposing syndrome. Last evaluated: 2021-05-17. Review status: criteria provided, single submitter. Criteria: ACMG Guidelines, 2015. Collection method: clinical testing. Allele origin: germline.